The following is an entry in ClinVar:

NM_002855.5(NECTIN1):c.138C>T (p.Asp46=)

Gene: NECTIN1 (nectin cell adhesion molecule 1; minus strand). Cytogenetic location: 11q23.3.
Variant type: single nucleotide variant.
Coding change: c.138C>T on transcript NM_002855.5 (MANE Select); coding-DNA position 138, C replaced by T.
Protein change: p.Asp46=; no amino-acid change (aspartic acid 46 retained).
Molecular consequence: synonymous variant.
Genome position (GRCh38, 1-based): chr11:119,678,707, G>A on the plus strand (C>T on the coding strand, the complement: NECTIN1 is on the minus strand). VCF-style: chr11-119678707-G-A. GRCh37 (hg19) VCF-style: chr11-119549417-G-A.
Other names: c.138C>T, p.Asp46= (NM_203285.2, NM_203286.2).
Identifiers: ClinVar variation 3052918 (VCV003052918.2), dbSNP rs111847127, ClinGen allele CA6322160.

ClinVar aggregate classification (germline): Likely benign (0 of 4 stars; one submission).

Conditions:
NECTIN1-related disorder. Also called: NECTIN1-related condition.

Allele frequency attached by ClinVar (database versions not stated): TOPMed 0.00001; ExAC 0.00003; ESP Exome Variant Server 0.00008.
gnomAD v4.1: 22 of 1,613,860 alleles (0.0014%); highest among the groups gnomAD compares: South Asian, 0.0033%; no homozygotes.

Submission:

PreventionGenetics, part of Exact Sciences
Classification: Likely benign for NECTIN1-related condition. Last evaluated: 2019-09-05. Review status: no assertion criteria provided. Collection method: clinical testing. Allele origin: germline.
Comment: This variant is classified as likely benign based on ACMG/AMP sequence variant interpretation guidelines (Richards et al. 2015 PMID: 25741868, with internal and published modifications).